The following is an entry in ClinVar:

NM_006206.6(PDGFRA):c.2153G>A (p.Arg718Gln)

Gene: PDGFRA (platelet derived growth factor receptor alpha; plus strand). Cytogenetic location: 4q12.
Variant type: single nucleotide variant.
Coding change: c.2153G>A on transcript NM_006206.6 (MANE Select); coding-DNA position 2153, G replaced by A.
Protein change: p.Arg718Gln; replaces arginine 718 with glutamine.
Molecular consequence: missense variant.
Genome position (GRCh38, 1-based): chr4:54,278,512, G>A. VCF-style: chr4-54278512-G-A. GRCh37 (hg19) VCF-style: chr4-55144679-G-A.
Other names: c.2153G>A, p.Arg718Gln (NM_001347827.2, NM_001347829.2); c.2228G>A, p.Arg743Gln (NM_001347828.2); c.2192G>A, p.Arg731Gln (NM_001347830.2); short protein forms R718Q, R731Q, R743Q.
Identifiers: ClinVar variation 407393 (VCV000407393.15), dbSNP rs367722824, ClinGen allele CA2922757.
Genomic context (GRCh38, chr4:54,278,512, plus strand): 5'-CAGAGAAGCCAAAGAAAGAGCTGGATATCTTTGGATTGAACCCTGCTGATGAAAGCACAC[G>A]GAGGTGGGTGCAAAGAGAGATGTTGCTGTCTATCATTATCTTACAGGCATCACAAATGGA-3'
Protein context (NP_006197.1, residues 708-728): FGLNPADEST[Arg718Gln]SYVILSFENN

ClinVar aggregate classification (germline): Conflicting classifications of pathogenicity. Review status: criteria provided, conflicting classifications (1 of 4 stars). 5 submissions from 5 submitters: Uncertain significance (4); Likely benign (1). Last evaluated 2026-06-15.

Conditions:
Polyps, multiple and recurrent inflammatory fibroid, gastrointestinal. Identifiers: MedGen C5193005, MONDO:0008285, OMIM 175510.
Gastrointestinal stromal tumor. Also called: Gastrointestinal stromal tumor, somatic; Gastrointestinal stroma tumor. Identifiers: Orphanet 44890, MedGen C0238198, MeSH D046152, MONDO:0011719, OMIM 606764, HP:0100723.
Hereditary cancer-predisposing syndrome. Also called: Neoplastic Syndromes, Hereditary; Hereditary Cancer Syndrome; Hereditary neoplastic syndrome; Tumor predisposition. Identifiers: Orphanet 140162, MedGen C0027672, MeSH D009386, MONDO:0015356.

Allele frequency attached by ClinVar (database versions not stated): ExAC 0.00001; gnomAD exomes 0.00001; gnomAD 0.00002; TOPMed 0.00003; ESP Exome Variant Server 0.00008.
gnomAD v4.1: 24 of 1,613,788 alleles (0.0015%); highest among the groups gnomAD compares: Middle Eastern, 0.016%; no homozygotes.

Submissions (5):

Myriad Genetics, Inc.
Classification: Likely benign for Polyps, multiple and recurrent inflammatory fibroid, gastrointestinal. Last evaluated: 2026-06-15. Review status: criteria provided, single submitter. Criteria: Myriad Autosomal Dominant, Autosomal Recessive and X-Linked Classification Criteria (2023). Collection method: clinical testing. Allele origin: unknown.
Comment: This variant is considered likely benign. This variant has been observed at a population frequency that is significantly greater than expected given the associated disease prevalence and penetrance.

Labcorp Genetics (formerly Invitae), Labcorp
Classification: Uncertain significance for Gastrointestinal stromal tumor. Last evaluated: 2025-12-08. Review status: criteria provided, single submitter. Criteria: Invitae Variant Classification Sherloc (09022015). Collection method: clinical testing. Allele origin: germline.
Comment: This sequence change replaces arginine, which is basic and polar, with glutamine, which is neutral and polar, at codon 718 of the PDGFRA protein (p.Arg718Gln). This variant is present in population databases (rs367722824, gnomAD 0.003%). This variant has not been reported in the literature in individuals affected with PDGFRA-related conditions. ClinVar contains an entry for this variant (Variation ID: 407393). Invitae Evidence Modeling of protein sequence and biophysical properties (such as structural, functional, and spatial information, amino acid conservation, physicochemical variation, residue mobility, and thermodynamic stability) indicates that this missense variant is not expected to disrupt PDGFRA protein function with a negative predictive value of 80%. In summary, the available evidence is currently insufficient to determine the role of this variant in disease. Therefore, it has been classified as a Variant of Uncertain Significance.

Women's Health and Genetics/Laboratory Corporation of America, LabCorp
Classification: Uncertain significance. Last evaluated: 2025-06-05. Review status: criteria provided, single submitter. Criteria: LabCorp Variant Classification Summary - May 2015. Collection method: clinical testing. Allele origin: germline.
Comment: Variant summary: PDGFRA c.2153G>A (p.Arg718Gln) results in a conservative amino acid change in the encoded protein sequence. Algorithms developed to predict the effect of missense changes on protein structure and function are either unavailable or do not agree on the potential impact of this missense change. The variant allele was found at a frequency of 8e-06 in 251292 control chromosomes. The available data on variant occurrences in the general population are insufficient to allow any conclusion about variant significance. To our knowledge, no occurrence of c.2153G>A in individuals affected with Polyps, Multiple And Recurrent Inflammatory Fibroid, Gastrointestinal and no experimental evidence demonstrating its impact on protein function have been reported. ClinVar contains an entry for this variant (Variation ID: 407393). Based on the evidence outlined above, the variant was classified as uncertain significance.

Ambry Genetics
Classification: Uncertain significance for Hereditary cancer-predisposing syndrome. Last evaluated: 2024-12-08. Review status: criteria provided, single submitter. Criteria: Ambry Variant Classification Scheme 2023. Collection method: clinical testing. Allele origin: germline.
Comment: The p.R718Q variant (also known as c.2153G>A), located in coding exon 14 of the PDGFRA gene, results from a G to A substitution at nucleotide position 2153. The arginine at codon 718 is replaced by glutamine, an amino acid with highly similar properties. This amino acid position is highly conserved in available vertebrate species. In addition, the in silico prediction for this alteration is inconclusive. Based on the available evidence, the clinical significance of this variant remains unclear.

Baylor Genetics
Classification: Uncertain significance for Polyps, multiple and recurrent inflammatory fibroid, gastrointestinal. Last evaluated: 2024-02-06. Review status: criteria provided, single submitter. Criteria: ACMG Guidelines, 2015. Collection method: clinical testing. Allele origin: unknown.